The following is an entry in ClinVar:

NM_000132.4(F8):c.5096A>T (p.Tyr1699Phe)

Gene: F8 (coagulation factor VIII; minus strand). Cytogenetic location: Xq28.
Variant type: single nucleotide variant.
Coding change: c.5096A>T on transcript NM_000132.4 (MANE Select); coding-DNA position 5096, A replaced by T.
Protein change: p.Tyr1699Phe; replaces tyrosine 1699 with phenylalanine.
Molecular consequence: missense variant.
Genome position (GRCh38, 1-based): chrX:154,928,694, T>A on the plus strand (A>T on the coding strand, the complement: F8 is on the minus strand). VCF-style: chrX-154928694-T-A. GRCh37 (hg19) VCF-style: chrX-154156969-T-A.
Other names: F8, TYR1680PHE; Y1680F; short protein forms Y1699F.
Identifiers: ClinVar variation 10115 (VCV000010115.20), dbSNP rs28935203, ClinGen allele CA255022.

ClinVar aggregate classification (germline): Pathogenic. Review status: criteria provided, multiple submitters, no conflicts (2 of 4 stars). 7 submissions from 7 submitters: Pathogenic (6). 1 of the submissions does not count toward it. Last evaluated 2026-10-15.

Conditions:
Inborn genetic diseases. Identifiers: MedGen C0950123, MeSH D030342.
Hereditary factor VIII deficiency disease (HEMA). Also called: AUTOSOMAL HEMOPHILIA A; Hemophilia A, congenital; HEM A; Factor 8 deficiency, congenital; Hemophilia A; HEMOPHILIA, CLASSIC. Identifiers: Orphanet 98878, MedGen C0019069, MONDO:0010602, OMIM 306700.

Allele frequency attached by ClinVar (database versions not stated): gnomAD exomes below 0.00001 and 0.00001.
gnomAD v4.1: 1 of 1,209,651 alleles (0.000083%); highest among the groups gnomAD compares: Non-Finnish European, 0.00011%; no homozygotes.

Submissions (7):

GeneDx
Classification: Pathogenic. Last evaluated: 2026-10-15. Review status: criteria provided, single submitter. Criteria: GeneDx Variant Classification Process June 2021. Collection method: clinical testing. Allele origin: germline.
Comment: Observed in the heterozygous, hemizygous, or homozygous state in multiple patients with features of F8-related hemophilia tested at GeneDx and in published literature, and not observed in the hemizygous or homozygous state in controls (PMID: 1908096, 2105906, 27629384, 19302446); Published functional studies demonstrate a damaging effect (PMID: 30997536); Not observed at significant frequency in large population cohorts (gnomAD); In silico analysis suggests that this missense variant does not alter protein structure/function; Also known as (p.Y1680F); This variant is associated with the following publications: (PMID: 19473423, 24108539, 10368977, 1554716, 1898735, 21940821, 11857744, 8547094, 17958741, 27378673, 33552050, 32791533, 32232366, 24452774, 21909383, 2105906, 18691168, 19302446, 33314404, 27629384, 32299908, 1908096, 30997536, 41071185, 23711294, 23926300)

Variantyx, Inc.
Classification: Pathogenic for Hereditary factor VIII deficiency disease. Last evaluated: 2026-01-23. Review status: criteria provided, single submitter. Criteria: Variantyx Assertion Criteria 2022. Collection method: clinical testing. Allele origin: maternal. Inheritance: X-linked recessive inheritance.
Comment: This is a nonsynonymous variant in the F8 gene (OMIM: 300841). Pathogenic variants in this gene have been associated with X-linked hemophilia A. This variant has been reported in many unrelated affected individuals (PMID: 8547094) (PS4_Very_Strong), and has been observed to segregate with disease in at least 4 individuals from one family (PMID: 19302446) (PP1). Functional studies have shown that this variant alters F8 protein function (PMID: 24108539) (PS3), and multiple computational algorithms predict a deleterious effect (REVEL score: 0.779) (PP3). This variant has a 0.0001% maximum allele frequency in non-founder control populations (PM2). Based on the current evidence, this variant is classified as likely pathogenic for X-linked hemophilia A.

ARUP Laboratories, Molecular Genetics and Genomics, ARUP Laboratories
Classification: Pathogenic. Last evaluated: 2025-01-29. Review status: criteria provided, single submitter. Criteria: ARUP Molecular Germline Variant Investigation Process 2024. Collection method: clinical testing. Allele origin: germline.
Comment: The F8 c.5096A>T; p.Tyr1699Phe variant (rs28935203), also known as Tyr1680Phe, is reported in the literature in multiple individuals affected with mild to moderate hemophilia A (see link to FVIII database and references therein). This variant is reported in ClinVar (Variation ID: 10115), and is only observed on one allele in the Genome Aggregation Database, indicating it is not a common polymorphism. tyrosine at codon 1699 is highly conserved, and computational analyses predict that this variant is deleterious (REVEL: 0.779). Based on available information, the p.Tyr1699Phe variant is considered to be pathogenic. References: Link to variant in FVIII variant database

Ambry Genetics
Classification: Pathogenic for Inborn genetic diseases. Last evaluated: 2024-08-14. Review status: criteria provided, single submitter. Criteria: Ambry Variant Classification Scheme 2023. Collection method: clinical testing. Allele origin: germline.
Comment: The c.5096A>T (p.Y1699F) alteration is located in exon 14 (coding exon 14) of the F8 gene. This alteration results from a A to T substitution at nucleotide position 5096, causing the tyrosine (Y) at amino acid position 1699 to be replaced by a phenylalanine (F). Based on data from gnomAD, the T allele has an overall frequency of 0.001% (1/180470) total alleles studied, with 0 hemizygotes. The highest observed frequency was 0.001% (1/80944) of European (non-Finnish) alleles. This variant has been reported in multiple individuals with hemophilia A (Higuchi, 1990; Nance, 2013; Eckhardt, 2013; Pavlova, 2014; Nance, 2016). This amino acid position is highly conserved in available vertebrate species. In multiple assays testing F8 function, this variant showed functionally abnormal results (van den Biggelaar, 2011; Pahl, 2014). This alteration is predicted to be deleterious by in silico analysis. Based on the available evidence, this alteration is classified as pathogenic.

Women's Health and Genetics/Laboratory Corporation of America, LabCorp
Classification: Pathogenic for Hereditary factor VIII deficiency disease. Last evaluated: 2023-12-19. Review status: criteria provided, single submitter. Criteria: LabCorp Variant Classification Summary - May 2015. Collection method: clinical testing. Allele origin: germline.
Comment: Variant summary: F8 c.5096A>T (p.Tyr1699Phe) results in a conservative amino acid change in the encoded protein sequence. Four of five in-silico tools predict a damaging effect of the variant on protein function. The variant allele was found at a frequency of 5.5e-06 in 180470 control chromosomes. c.5096A>T has been reported in the literature in multiple individuals affected with Factor VIII Deficiency (Hemophilia A). These data indicate that the variant is very likely to be associated with disease. The following publication have been ascertained in the context of this evaluation (PMID: 23926300). Three submitters have cited clinical-significance assessments for this variant to ClinVar after 2014. All submitters classified the variant as pathogenic. Based on the evidence outlined above, the variant was classified as pathogenic.

Molecular Diagnostics Laboratory, M Health Fairview: University of Minnesota
Classification: Pathogenic for Hereditary factor VIII deficiency disease. Last evaluated: 2020-12-31. Review status: criteria provided, single submitter. Criteria: ACMG Guidelines, 2015. Collection method: clinical testing. Allele origin: germline. Affected: yes.

OMIM
Classification: Pathogenic for HEMOPHILIA A. Last evaluated: 1990-01-01. Review status: no assertion criteria provided. Collection method: literature only. Allele origin: germline. Not counted in ClinVar's aggregate classification.

Literature cited by the submitters: PubMed 19302446 (cited by Variantyx, Inc.); PubMed 8547094 (cited by Variantyx, Inc.); PubMed 24108539 (cited by Variantyx, Inc. and Ambry Genetics); PubMed 2105906 (cited by Ambry Genetics and OMIM); PubMed 21909383 (cited by Ambry Genetics); PubMed 23711294 (cited by Ambry Genetics); PubMed 23926300 (cited by Ambry Genetics and Women's Health and Genetics/Laboratory Corporation of America, LabCorp); PubMed 24452774 (cited by Ambry Genetics); PubMed 27629384 (cited by Ambry Genetics).